The following is an entry in ClinVar:

NM_030662.4(MAP2K2):c.527C>T (p.Ala176Val)

Gene: MAP2K2 (mitogen-activated protein kinase kinase 2; minus strand). Cytogenetic location: 19p13.3.
Variant type: single nucleotide variant.
Coding change: c.527C>T on transcript NM_030662.4 (MANE Select); coding-DNA position 527, C replaced by T.
Protein change: p.Ala176Val; replaces alanine 176 with valine.
Molecular consequence: missense variant.
Genome position (GRCh38, 1-based): chr19:4,102,377, G>A on the plus strand (C>T on the coding strand, the complement: MAP2K2 is on the minus strand). VCF-style: chr19-4102377-G-A. GRCh37 (hg19) VCF-style: chr19-4102375-G-A.
Other names: c.527C>T (NM_030662.3); short protein forms A176V.
Identifiers: ClinVar variation 1363165 (VCV001363165.8), dbSNP rs775661458, ClinGen allele CA9090947.

ClinVar aggregate classification (germline): Conflicting classifications of pathogenicity. Review status: criteria provided, conflicting classifications (1 of 4 stars). 3 submissions from 3 submitters: Uncertain significance (2); Likely benign (1). Last evaluated 2025-12-09.

Conditions:
RASopathy. Also called: rasopathies; Noonan spectrum disorder. Identifiers: Orphanet 536391, MedGen C5555857, MONDO:0021060.
Cardiovascular phenotype. Identifiers: MedGen CN230736.

Allele frequency attached by ClinVar (database versions not stated): ExAC 0.00002; TOPMed 0.00002; gnomAD exomes 0.00003 and 0.00001; gnomAD 0.00001.
gnomAD v4.1: 20 of 1,598,252 alleles (0.0013%); highest among the groups gnomAD compares: South Asian, 0.0045%; no homozygotes.

Submissions (3):

Labcorp Genetics (formerly Invitae), Labcorp
Classification: Uncertain significance for RASopathy. Last evaluated: 2025-12-09. Review status: criteria provided, single submitter. Criteria: Invitae Variant Classification Sherloc (09022015). Collection method: clinical testing. Allele origin: germline.
Comment: This sequence change replaces alanine, which is neutral and non-polar, with valine, which is neutral and non-polar, at codon 176 of the MAP2K2 protein (p.Ala176Val). The frequency data for this variant in the population databases is considered unreliable, as metrics indicate poor data quality at this position in the gnomAD database. This variant has not been reported in the literature in individuals affected with MAP2K2-related conditions. ClinVar contains an entry for this variant (Variation ID: 1363165). An algorithm developed to predict the effect of missense changes on protein structure and function (PolyPhen-2) suggests that this variant is likely to be disruptive. In summary, the available evidence is currently insufficient to determine the role of this variant in disease. Therefore, it has been classified as a Variant of Uncertain Significance.

Laboratory of Genetics, Children's Clinical University Hospital Latvia
Classification: Likely benign. Last evaluated: 2025-02-16. Review status: criteria provided, single submitter. Criteria: ACMG Guidelines, 2015. Collection method: clinical testing. Allele origin: germline. Affected: yes.

Ambry Genetics
Classification: Uncertain significance for Cardiovascular phenotype. Last evaluated: 2023-05-21. Review status: criteria provided, single submitter. Criteria: Ambry Variant Classification Scheme 2023. Collection method: clinical testing. Allele origin: germline.
Comment: The p.A176V variant (also known as c.527C>T), located in coding exon 4 of the MAP2K2 gene, results from a C to T substitution at nucleotide position 527. The alanine at codon 176 is replaced by valine, an amino acid with similar properties. This amino acid position is conserved. In addition, this alteration is predicted to be deleterious by in silico analysis. Since supporting evidence is limited at this time, the clinical significance of this alteration remains unclear.